The following is an entry in ClinVar:

NM_022051.3(EGLN1):c.304A>G (p.Asn102Asp)

Gene: EGLN1 (egl-9 family hypoxia inducible factor 1; minus strand). Cytogenetic location: 1q42.2.
Variant type: single nucleotide variant.
Coding change: c.304A>G on transcript NM_022051.3 (MANE Select); coding-DNA position 304, A replaced by G.
Protein change: p.Asn102Asp; replaces asparagine 102 with aspartic acid.
Molecular consequence: missense variant.
Genome position (GRCh38, 1-based): chr1:231,421,585, T>C on the plus strand (A>G on the coding strand, the complement: EGLN1 is on the minus strand). VCF-style: chr1-231421585-T-C. GRCh37 (hg19) VCF-style: chr1-231557331-T-C.
Other names: c.304A>G, p.Asn102Asp (NM_001377260.1, NM_001377261.1); short protein forms N102D.
Identifiers: ClinVar variation 4870316 (VCV004870316.1).
Genomic context (GRCh38, chr1:231,421,585, plus strand): 5'-CCGCTGGGTCGGCCGGGGGCTTGGCCTTTACTTTTCCCTTGGCCGCGTCCCCGGAGGCGT[T>C]GTCCCGGCGCGCCGCTGCCTTCCTGGGCTCCCGGGCCCCGGCCCTGGGCGGCGGCACTGC-3'
Protein context (NP_071334.1, residues 92-112): EPRKAAARRD[Asn102Asp]ASGDAAKGKV

ClinVar aggregate classification (germline): Uncertain significance (1 of 4 stars; one submission).

Submission:

Ambry Genetics
Classification: Uncertain significance. Last evaluated: 2026-04-28. Review status: criteria provided, single submitter. Criteria: Ambry Variant Classification Scheme 2023. Collection method: clinical testing. Allele origin: germline.
Comment: The p.N102D variant (also known as c.304A>G), located in coding exon 1 of the EGLN1 gene, results from an A to G substitution at nucleotide position 304. The asparagine at codon 102 is replaced by aspartic acid, an amino acid with highly similar properties. This amino acid position is conserved. In addition, this alteration is predicted to be tolerated by in silico analysis. Based on the available evidence, the clinical significance of this variant remains unclear.